The following is an entry in ClinVar:

NM_002185.5(IL7R):c.82+16G>C

Gene: IL7R (interleukin 7 receptor; plus strand). Cytogenetic location: 5p13.2.
Variant type: single nucleotide variant.
Coding change: c.82+16G>C on transcript NM_002185.5 (MANE Select); 16 bases into the intron after coding-DNA position 82, G replaced by C.
Molecular consequence: intron variant.
Genome position (GRCh38, 1-based): chr5:35,857,075, G>C. VCF-style: chr5-35857075-G-C. GRCh37 (hg19) VCF-style: chr5-35857177-G-C.
Identifiers: ClinVar variation 258579 (VCV000258579.18), dbSNP rs1353252, ClinGen allele CA3231826.

ClinVar aggregate classification (germline): Benign/Likely benign. Review status: criteria provided, multiple submitters, no conflicts (2 of 4 stars). 7 submissions from 7 submitters: Benign (6); Likely benign (1). Last evaluated 2026-02-04.

Conditions:
Immunodeficiency 104. Also called: Severe combined immunodeficiency, autosomal recessive, T cell-negative, B cell-positive, NK cell-positive; Severe Combined Immune Deficiency, Autosomal Recessive, TCell -Negative, B Cell-Positive, NK Cell-Positive, IL7R-Related; IMMUNODEFICIENCY 104, SEVERE COMBINED; SCID, AUTOSOMAL RECESSIVE, T CELL-NEGATIVE, B CELL-POSITIVE, NK CELL-POSITIVE. Identifiers: MedGen C5676890, MONDO:0012163, OMIM 608971.

Allele frequency attached by ClinVar (database versions not stated): gnomAD exomes 0.62699; ExAC 0.63948; 1000 Genomes Project 0.64736; 1000 Genomes Project 30x 0.65537; TOPMed 0.70617; gnomAD 0.71907; ESP Exome Variant Server 0.74281.
gnomAD v4.1: 995,999 of 1,504,278 alleles (66%); highest among the groups gnomAD compares: African/African-American, 88%; 335,029 homozygotes.

Submissions (7):

Labcorp Genetics (formerly Invitae), Labcorp
Classification: Benign for Immunodeficiency 104. Last evaluated: 2026-02-04. Review status: criteria provided, single submitter. Criteria: Invitae Variant Classification Sherloc (09022015). Collection method: clinical testing. Allele origin: germline.

Blueprint Genetics
Classification: Likely benign. Last evaluated: 2024-11-26. Review status: criteria provided, single submitter. Criteria: ACMG Guidelines, 2015. Collection method: clinical testing. Allele origin: germline.

Unidad de Genómica Garrahan, Hospital de Pediatría Garrahan
Classification: Benign. Last evaluated: 2024-01-24. Review status: criteria provided, single submitter. Criteria: ACMG Guidelines, 2015. Collection method: clinical testing. Allele origin: germline. Affected: no. Observed: 79 variant alleles.
Comment: This variant is classified as Benign based on local population frequency. This variant was detected in 83% of patients studied by a panel of primary immunodeficiencies. Number of patients: 79. Only high quality variants are reported.

Genome-Nilou Lab
Classification: Benign for Immunodeficiency 104. Last evaluated: 2021-08-19. Review status: criteria provided, single submitter. Criteria: ACMG Guidelines, 2015. Collection method: clinical testing. Allele origin: germline. Affected: no.

GeneDx
Classification: Benign. Last evaluated: 2015-03-03. Review status: criteria provided, single submitter. Criteria: GeneDx Variant Classification Process June 2021. Collection method: clinical testing. Allele origin: germline. Affected: yes.

Breakthrough Genomics
Classification: Benign. Review status: criteria provided, single submitter. Criteria: ACMG Guidelines, 2015. Collection method: not provided. Allele origin: germline. Inheritance: Autosomal recessive inheritance. Affected: yes.

PreventionGenetics, part of Exact Sciences
Classification: Benign. Review status: criteria provided, single submitter. Criteria: ACMG Guidelines, 2015. Collection method: clinical testing. Allele origin: germline.